The following is an entry in ClinVar:

ClinVar aggregate classification (germline): Uncertain significance (1 of 4 stars; one submission).

Conditions:
Deficiency of acetyl-CoA acetyltransferase. Also called: 3-OXOTHIOLASE DEFICIENCY; 3-KETOTHIOLASE DEFICIENCY; Beta-ketothiolase deficiency; MITOCHONDRIAL ACETOACETYL-CoA THIOLASE DEFICIENCY. Identifiers: Orphanet 134, MedGen C1536500, MONDO:0008760, OMIM 203750. Disease mechanism: loss of function.

Allele frequency attached by ClinVar (database versions not stated): gnomAD exomes below 0.00001; TOPMed below 0.00001; ExAC 0.00001; gnomAD 0.00001.

Submission:

Labcorp Genetics (formerly Invitae), Labcorp
Classification: Uncertain significance for Deficiency of acetyl-CoA acetyltransferase. Last evaluated: 2021-11-27. Review status: criteria provided, single submitter. Criteria: Invitae Variant Classification Sherloc (09022015). Collection method: clinical testing. Allele origin: germline.
Comment: This sequence change replaces methionine, which is neutral and non-polar, with threonine, which is neutral and polar, at codon 141 of the ACAT1 protein (p.Met141Thr). This variant is present in population databases (rs758930842, gnomAD 0.008%). This variant has not been reported in the literature in individuals affected with ACAT1-related conditions. Algorithms developed to predict the effect of missense changes on protein structure and function (SIFT, PolyPhen-2, Align-GVGD) all suggest that this variant is likely to be tolerated. In summary, the available evidence is currently insufficient to determine the role of this variant in disease. Therefore, it has been classified as a Variant of Uncertain Significance.

NM_000019.4(ACAT1):c.422T>C (p.Met141Thr)

Gene: ACAT1 (acetyl-CoA acetyltransferase 1; plus strand). Cytogenetic location: 11q22.3.
Variant type: single nucleotide variant.
Coding change: c.422T>C on transcript NM_000019.4 (MANE Select); coding-DNA position 422, T replaced by C.
Protein change: p.Met141Thr; replaces methionine 141 with threonine.
Molecular consequence: missense variant. On other transcripts: non-coding transcript variant (1), intron variant (1).
Genome position (GRCh38, 1-based): chr11:108,135,229, T>C. VCF-style: chr11-108135229-T-C. GRCh37 (hg19) VCF-style: chr11-108005956-T-C.
Other names: c.422T>C, p.Met141Thr (NM_001386677.1); c.125T>C, p.Met42Thr (NM_001386679.1); c.152T>C, p.Met51Thr (NM_001386681.1, NM_001386682.1, NM_001386685.1 and 6 more transcripts); c.120+3275T>C (NM_001386678.1); short protein forms M42T, M141T, M51T.
Identifiers: ClinVar variation 1389116 (VCV001389116.3), dbSNP rs758930842, ClinGen allele CA6263109.